The following is an entry in ClinVar:

NM_006531.5(IFT88):c.1950-4A>G

Gene: IFT88 (intraflagellar transport 88; plus strand). Cytogenetic location: 13q12.11.
Variant type: single nucleotide variant.
Coding change: c.1950-4A>G on transcript NM_006531.5 (MANE Select); 4 bases into the intron before coding-DNA position 1950, A replaced by G.
Molecular consequence: intron variant.
Genome position (GRCh38, 1-based): chr13:20,653,872, A>G. VCF-style: chr13-20653872-A-G. GRCh37 (hg19) VCF-style: chr13-21228011-A-G.
Other names: c.1977-4A>G (NM_001318493.2, NM_175605.5, NM_001353566.2 and 3 more transcripts); c.1950-4A>G (NM_001353568.2, NM_001353572.2); c.1875-4A>G (NM_001353570.2, NM_001353576.2, NM_001353577.2 and 1 more transcripts); c.1848-4A>G (NM_001353571.2, NM_001353578.2); c.1317-4A>G (NM_001353579.2); c.1893-4A>G (NM_001353575.2, NM_001318491.2); c.1806-4A>G (NM_001353573.2); c.1791-4A>G (NM_001353574.2).
Identifiers: ClinVar variation 2043653 (VCV002043653.6), dbSNP rs200497156, ClinGen allele CA6905596.

ClinVar aggregate classification (germline): Likely benign. Review status: criteria provided, single submitter (1 of 4 stars). 2 submissions from 2 submitters: Likely benign (1). 1 of the submissions does not count toward it. Last evaluated 2025-12-06.

Conditions:
IFT88-related disorder. Also called: IFT88-related condition.

Allele frequency attached by ClinVar (database versions not stated): gnomAD 0.00008; TOPMed 0.00009; ExAC 0.00015; 1000 Genomes Project 30x 0.00016; 1000 Genomes Project 0.00020; ESP Exome Variant Server 0.00023; gnomAD exomes 0.00023.

Submissions (2):

Labcorp Genetics (formerly Invitae), Labcorp
Classification: Likely benign. Last evaluated: 2025-12-06. Review status: criteria provided, single submitter. Criteria: Invitae Variant Classification Sherloc (09022015). Collection method: clinical testing. Allele origin: germline.

PreventionGenetics, part of Exact Sciences
Classification: Likely benign for IFT88-related condition. Last evaluated: 2020-02-20. Review status: no assertion criteria provided. Collection method: clinical testing. Allele origin: germline. Not counted in ClinVar's aggregate classification.
Comment: This variant is classified as likely benign based on ACMG/AMP sequence variant interpretation guidelines (Richards et al. 2015 PMID: 25741868, with internal and published modifications).